The following is an entry in ClinVar:

NM_147196.3(TMIE):c.59T>A (p.Val20Glu)

Gene: TMIE (transmembrane inner ear; plus strand). Cytogenetic location: 3p21.31.
Variant type: single nucleotide variant.
Coding change: c.59T>A on transcript NM_147196.3 (MANE Select); coding-DNA position 59, T replaced by A.
Protein change: p.Val20Glu; replaces valine 20 with glutamic acid.
Molecular consequence: missense variant. On other transcripts: intron variant (2).
Genome position (GRCh38, 1-based): chr3:46,701,546, T>A. VCF-style: chr3-46701546-T-A. GRCh37 (hg19) VCF-style: chr3-46743036-T-A.
Other names: c.-66-4244T>A (NM_001370524.1, NM_001370525.1); short protein forms V20E.
Identifiers: ClinVar variation 1214509 (VCV001214509.12), dbSNP rs375180950, ClinGen allele CA2357918.

ClinVar aggregate classification (germline): Likely benign. Review status: criteria provided, multiple submitters, no conflicts (2 of 4 stars). 3 submissions from 3 submitters: Likely benign (3). Last evaluated 2025-11-04.

Conditions:
TMIE-related disorder. Also called: TMIE-related condition.

Allele frequency attached by ClinVar (database versions not stated): gnomAD exomes 0.00010 and 0.00242; ESP Exome Variant Server 0.00026; gnomAD 0.00105 and 0.00113; 1000 Genomes Project 0.00160; 1000 Genomes Project 30x 0.00172; ExAC 0.00658.
gnomAD v4.1: 279 of 1,292,896 alleles (0.022%); highest among the groups gnomAD compares: African/African-American, 0.39%; no homozygotes.

Submissions (3):

Labcorp Genetics (formerly Invitae), Labcorp
Classification: Likely benign. Last evaluated: 2025-11-04. Review status: criteria provided, single submitter. Criteria: Invitae Variant Classification Sherloc (09022015). Collection method: clinical testing. Allele origin: germline.

PreventionGenetics, part of Exact Sciences
Classification: Likely benign for TMIE-related condition. Last evaluated: 2025-01-07. Review status: criteria provided, single submitter. Criteria: ACMG Guidelines, 2015. Collection method: clinical testing. Allele origin: germline.
Comment: This variant is classified as likely benign based on ACMG/AMP sequence variant interpretation guidelines (Richards et al. 2015 PMID: 25741868, with internal and published modifications).

GeneDx
Classification: Likely benign. Last evaluated: 2021-02-19. Review status: criteria provided, single submitter. Criteria: GeneDx Variant Classification Process June 2021. Collection method: clinical testing. Allele origin: germline. Affected: yes.